The following is an entry in ClinVar:

NM_000246.4(CIITA):c.47C>T (p.Pro16Leu)

Genes: CIITA (class II major histocompatibility complex transactivator; plus strand), LOC130058443 (ATAC-STARR-seq lymphoblastoid active region 10394; plus strand). Cytogenetic location: 16p13.13.
Variant type: single nucleotide variant.
Coding change: c.47C>T on transcript NM_000246.4 (MANE Select); coding-DNA position 47, C replaced by T.
Protein change: p.Pro16Leu; replaces proline 16 with leucine.
Molecular consequence: missense variant. On other transcripts: non-coding transcript variant (1).
Genome position (GRCh38, 1-based): chr16:10,877,377, C>T. VCF-style: chr16-10877377-C-T. GRCh37 (hg19) VCF-style: chr16-10971234-C-T.
Other names: c.47C>T, p.Pro16Leu (NM_001286402.1, NM_001286403.2, NM_001379330.1 and 3 more transcripts); short protein forms P16L.
Identifiers: ClinVar variation 972030 (VCV000972030.6), dbSNP rs2035926531, ClinGen allele CA394725337.
Genomic context (GRCh38, chr16:10,877,377, plus strand): 5'-GGGATTCCTACACAATGCGTTGCCTGGCTCCACGCCCTGCTGGGTCCTACCTGTCAGAGC[C>T]CCAAGGTAAAAAGGCCGGGAAAGCATCTTAATTTAGCGTGCAGTCTCAGCTGGTCCTGCC-3'
Protein context (NP_000237.2, residues 6-26): PRPAGSYLSE[Pro16Leu]QGSSQCATME

ClinVar aggregate classification (germline): Uncertain significance (1 of 4 stars; one submission).

Conditions:
MHC class II deficiency. Also called: Bare lymphocyte syndrome 2; BLS, TYPE II. Identifiers: Orphanet 572, MedGen C5447452, MONDO:0008855.

Submission:

Labcorp Genetics (formerly Invitae), Labcorp
Classification: Uncertain significance for MHC class II deficiency. Last evaluated: 2021-09-01. Review status: criteria provided, single submitter. Criteria: Invitae Variant Classification Sherloc (09022015). Collection method: clinical testing. Allele origin: germline.
Comment: This sequence change replaces proline with leucine at codon 16 of the CIITA protein (p.Pro16Leu). The proline residue is weakly conserved and there is a moderate physicochemical difference between proline and leucine. This variant is not present in population databases (ExAC no frequency). This variant has not been reported in the literature in individuals affected with CIITA-related conditions. Algorithms developed to predict the effect of missense changes on protein structure and function output the following: SIFT: "Tolerated"; PolyPhen-2: "Benign"; Align-GVGD: "Class C0". The leucine amino acid residue is found in multiple mammalian species, which suggests that this missense change does not adversely affect protein function. In summary, the available evidence is currently insufficient to determine the role of this variant in disease. Therefore, it has been classified as a Variant of Uncertain Significance.